The following is an entry in ClinVar:

ClinVar aggregate classification (germline): Uncertain significance (1 of 4 stars; one submission).

gnomAD v4.1: 23 of 1,614,116 alleles (0.0014%); highest among the groups gnomAD compares: Non-Finnish European, 0.0019%; no homozygotes.

Submission:

Labcorp Genetics (formerly Invitae), Labcorp
Classification: Uncertain significance. Last evaluated: 2025-05-08. Review status: criteria provided, single submitter. Criteria: Invitae Variant Classification Sherloc (09022015). Collection method: clinical testing. Allele origin: germline.
Comment: This sequence change replaces arginine, which is basic and polar, with cysteine, which is neutral and slightly polar, at codon 427 of the MYH9 protein (p.Arg427Cys). This variant is present in population databases (no rsID available, gnomAD 0.0009%). This variant has not been reported in the literature in individuals affected with MYH9-related conditions. ClinVar contains an entry for this variant (Variation ID: 3607666). Invitae Evidence Modeling of protein sequence and biophysical properties (such as structural, functional, and spatial information, amino acid conservation, physicochemical variation, residue mobility, and thermodynamic stability) has been performed for this missense variant. However, the output from this modeling did not meet the statistical confidence thresholds required to predict the impact of this variant on MYH9 protein function. In summary, the available evidence is currently insufficient to determine the role of this variant in disease. Therefore, it has been classified as a Variant of Uncertain Significance.

NM_002473.6(MYH9):c.1279C>T (p.Arg427Cys)

Gene: MYH9 (myosin heavy chain 9; minus strand). Cytogenetic location: 22q12.3.
Variant type: single nucleotide variant.
Coding change: c.1279C>T on transcript NM_002473.6 (MANE Select); coding-DNA position 1279, C replaced by T.
Protein change: p.Arg427Cys; replaces arginine 427 with cysteine.
Molecular consequence: missense variant.
Genome position (GRCh38, 1-based): chr22:36,316,618, G>A on the plus strand (C>T on the coding strand, the complement: MYH9 is on the minus strand). VCF-style: chr22-36316618-G-A. GRCh37 (hg19) VCF-style: chr22-36712663-G-A.
Other names: short protein forms R427C.
Identifiers: ClinVar variation 3607666 (VCV003607666.2).